The following is an entry in ClinVar:

NM_213607.3(DNAAF19):c.305C>T (p.Ser102Phe)

Gene: DNAAF19 (dynein axonemal assembly factor 19; plus strand). Cytogenetic location: 17q21.31.
Variant type: single nucleotide variant.
Coding change: c.305C>T on transcript NM_213607.3 (MANE Select); coding-DNA position 305, C replaced by T.
Protein change: p.Ser102Phe; replaces serine 102 with phenylalanine.
Molecular consequence: missense variant. On other transcripts: synonymous variant (2), 3 prime UTR variant (1).
Genome position (GRCh38, 1-based): chr17:44,902,393, C>T. VCF-style: chr17-44902393-C-T. GRCh37 (hg19) VCF-style: chr17-42979761-C-T.
Other names: c.306C>T, p.Val102= (NM_001258398.3); c.309C>T, p.Val103= (NM_001258399.2); c.305C>T, p.Ser102Phe (NM_001258395.2, NM_001258396.2); c.*55C>T (NM_001258397.3); short protein forms S102F.
Identifiers: ClinVar variation 1799341 (VCV001799341.2), dbSNP rs1220315388, ClinGen allele CA399828643.

ClinVar aggregate classification (germline): Uncertain significance (1 of 4 stars; one submission).

Conditions:
Primary ciliary dyskinesia. Also called: Ciliary dyskinesia. Identifiers: Orphanet 244, MedGen C0008780, MONDO:0016575, HP:0012265.

Allele frequency attached by ClinVar (database versions not stated): gnomAD exomes below 0.00001; TOPMed below 0.00001.
gnomAD v4.1: 6 of 1,614,246 alleles (0.00037%); highest among the groups gnomAD compares: Non-Finnish European, 0.00051%; no homozygotes.

Submission:

Ambry Genetics
Classification: Uncertain significance for Primary ciliary dyskinesia. Last evaluated: 2022-08-16. Review status: criteria provided, single submitter. Criteria: Ambry Variant Classification Scheme 2023. Collection method: clinical testing. Allele origin: germline.
Comment: The p.S102F variant (also known as c.305C>T), located in coding exon 3 of the CCDC103 gene, results from a C to T substitution at nucleotide position 305. The serine at codon 102 is replaced by phenylalanine, an amino acid with highly dissimilar properties. This amino acid position is conserved. In addition, the in silico prediction for this alteration is inconclusive. Since supporting evidence is limited at this time, the clinical significance of this alteration remains unclear.